The following is an entry in ClinVar:

NM_014003.4(DHX38):c.3605C>T (p.Thr1202Met)

Gene: DHX38 (DEAH-box helicase 38; plus strand). Cytogenetic location: 16q22.2.
Variant type: single nucleotide variant.
Coding change: c.3605C>T on transcript NM_014003.4 (MANE Select); coding-DNA position 3605, C replaced by T.
Protein change: p.Thr1202Met; replaces threonine 1202 with methionine.
Molecular consequence: missense variant.
Genome position (GRCh38, 1-based): chr16:72,112,418, C>T. VCF-style: chr16-72112418-C-T. GRCh37 (hg19) VCF-style: chr16-72146317-C-T.
Other names: c.3605C>T (NM_014003.3); short protein forms T1202M.
Identifiers: ClinVar variation 1479683 (VCV001479683.6), dbSNP rs564071619, ClinGen allele CA8161058.
Genomic context (GRCh38, chr16:72,112,418, plus strand): 5'-TCCTGGCTGTGGGTGAGGGCACGGTGTTTCCTGATCTCTCCTGCTGTGTCTCCAGGTCTA[C>T]GAAGATCTACACTCCAGGCCGGAAAGAGCAAGGGGAGCCCATGACCCCTCGCCGCACGCC-3'
Protein context (NP_054722.2, residues 1192-1212): KRSPLGSVRS[Thr1202Met]KIYTPGRKEQ

ClinVar aggregate classification (germline): Uncertain significance. Review status: criteria provided, multiple submitters, no conflicts (2 of 4 stars). 2 submissions from 2 submitters: Uncertain significance (2). Last evaluated 2022-07-25.

Allele frequency attached by ClinVar (database versions not stated): ExAC 0.00001; gnomAD 0.00002 and 0.00003; gnomAD exomes 0.00002; 1000 Genomes Project 0.00020; 1000 Genomes Project 30x 0.00031.
gnomAD v4.1: 32 of 1,608,820 alleles (0.002%); highest among the groups gnomAD compares: East Asian, 0.0089%; no homozygotes.

Submissions (2):

Labcorp Genetics (formerly Invitae), Labcorp
Classification: Uncertain significance. Last evaluated: 2022-07-25. Review status: criteria provided, single submitter. Criteria: Invitae Variant Classification Sherloc (09022015). Collection method: clinical testing. Allele origin: germline.
Comment: This variant is present in population databases (rs564071619, gnomAD 0.02%). In summary, the available evidence is currently insufficient to determine the role of this variant in disease. Therefore, it has been classified as a Variant of Uncertain Significance. Algorithms developed to predict the effect of missense changes on protein structure and function are either unavailable or do not agree on the potential impact of this missense change (SIFT: "Deleterious"; PolyPhen-2: "Benign"; Align-GVGD: "Class C0"). ClinVar contains an entry for this variant (Variation ID: 1479683). This variant has not been reported in the literature in individuals affected with DHX38-related conditions. This sequence change replaces threonine, which is neutral and polar, with methionine, which is neutral and non-polar, at codon 1202 of the DHX38 protein (p.Thr1202Met).

Ambry Genetics
Classification: Uncertain significance. Last evaluated: 2022-07-13. Review status: criteria provided, single submitter. Criteria: Ambry Variant Classification Scheme 2023. Collection method: clinical testing. Allele origin: germline.